The following is an entry in ClinVar:

NM_144973.4(DENND5B):c.1990G>A (p.Ala664Thr)

Gene: DENND5B (DENN domain containing 5B; minus strand). Cytogenetic location: 12p11.21.
Variant type: single nucleotide variant.
Coding change: c.1990G>A on transcript NM_144973.4 (MANE Select); coding-DNA position 1990, G replaced by A.
Protein change: p.Ala664Thr; replaces alanine 664 with threonine.
Molecular consequence: missense variant.
Genome position (GRCh38, 1-based): chr12:31,442,797, C>T on the plus strand (G>A on the coding strand, the complement: DENND5B is on the minus strand). VCF-style: chr12-31442797-C-T. GRCh37 (hg19) VCF-style: chr12-31595731-C-T.
Other names: c.2095G>A, p.Ala699Thr (NM_001308339.2); c.2056G>A, p.Ala686Thr (NM_001366890.1); short protein forms A664T, A686T, A699T.
Identifiers: ClinVar variation 4085909 (VCV004085909.8).
Genomic context (GRCh38, chr12:31,442,797, plus strand): 5'-TTCCTTCAACCAACTACTCAAGTGAAGAACATGCTTACTTGTTACTGGTTGGTCCTGTTG[C>T]CAAGACATCGGACTGTAACTTTGGAAAGAACCCCTGCTCATATTTGCCTTGACCAATTTT-3'
Protein context (NP_659410.3, residues 654-674): FFPKLQSDVL[Ala664Thr]TGPTSNNRWV

ClinVar aggregate classification (germline): Uncertain significance (1 of 4 stars; one submission).

gnomAD v4.1: 4 of 1,613,420 alleles (0.00025%); highest among the groups gnomAD compares: South Asian, 0.0022%; no homozygotes.

Submission:

CeGaT Center for Human Genetics Tuebingen
Classification: Uncertain significance. Last evaluated: 2025-08-01. Review status: criteria provided, single submitter. Criteria: CeGaT Center For Human Genetics Tuebingen Variant Classification Criteria Version 2. Collection method: clinical testing. Allele origin: germline. Affected: yes. Observed: 1 variant allele.
Comment: DENND5B: PM2, BP4